The following is an entry in ClinVar:

NM_004364.5(CEBPA):c.296GCG[7] (p.Gly104dup)

Gene: CEBPA (CCAAT enhancer binding protein alpha; minus strand). Cytogenetic location: 19q13.11.
Variant type: Microsatellite.
Coding change: c.296GCG[7] on transcript NM_004364.5 (MANE Select); seven copies in a row of the 3-base unit GCG starting at c.296; the reference has six copies in a row; one copy, 3 bases duplicated.
Protein change: p.Gly104dup; duplicates glycine 104.
Molecular consequence: inframe insertion. On other transcripts: 5 prime UTR variant (1).
Genome position (GRCh38, 1-based): chr19:33,302,102-33,302,104, CGC duplicated on the plus strand (GCG on the coding strand, the reverse complement: CEBPA is on the minus strand); duplicating any 3 consecutive bases within chr19:33,302,102-33,302,120 gives the same sequence; the position shown is the placement nearest the transcript's 3' end. VCF-style (leftmost placement, unchanged base first): chr19-33302101-T-TCGC. GRCh37 (hg19) VCF-style: chr19-33793007-T-TCGC.
Other names: c.311_313dupGCG (NM_004364.4, NM_004364.5); c.-62GCG[7] (NM_001285829.2); c.401GCG[7], p.Gly139dup (NM_001287424.2); c.254GCG[7], p.Gly90dup (NM_001287435.2).
Identifiers: ClinVar variation 408748 (VCV000408748.41), dbSNP rs780345232, ClinGen allele CA9363714.
Genomic context (GRCh38, chr19:33,302,101, plus strand): 5'-TGCGCTCCCCCGGGCATGACGGCGCCGCCGGGGCCCGCGGGCGCGCCCGGGTAGTCAAAG[T>TCGC]CGCCGCCGCCGCCGCCGCCCGTGGGGCCCACGGCCGCCTTGGCCTTCTCCTGCTGCCGGC-3'

ClinVar aggregate classification (germline): Conflicting classifications of pathogenicity. Review status: criteria provided, conflicting classifications (1 of 4 stars). 7 submissions from 7 submitters: Uncertain significance (1); Benign (1); Likely benign (4). 1 of the submissions does not count toward it. Last evaluated 2025-11-05.

Conditions:
Inborn genetic diseases. Identifiers: MedGen C0950123, MeSH D030342.
Hereditary cancer-predisposing syndrome. Also called: Hereditary Cancer Syndrome; Tumor predisposition; Neoplastic Syndromes, Hereditary; Hereditary neoplastic syndrome. Identifiers: Orphanet 140162, MedGen C0027672, MeSH D009386, MONDO:0015356.
Acute myeloid leukemia (AML). Also called: Leukemia, acute myeloid, somatic; Leukemia, acute myelogenous, somatic; Acute myeloid leukemia, adult; AML adult; Acute non-lymphocytic leukemia; Acute granulocytic leukemia. Identifiers: Orphanet 519, MedGen C0023467, MeSH D015470, MONDO:0018874, OMIM 601626, HP:0004808. Disease mechanism: Constitutively activated FLT3.
CEBPA-related disorder. Also called: CEBPA-related condition.

Submissions (7):

Labcorp Genetics (formerly Invitae), Labcorp
Classification: Benign for Acute myeloid leukemia. Last evaluated: 2025-11-05. Review status: criteria provided, single submitter. Criteria: Invitae Variant Classification Sherloc (09022015). Collection method: clinical testing. Allele origin: germline.

PreventionGenetics, part of Exact Sciences
Classification: Likely benign for CEBPA-related condition. Last evaluated: 2024-10-07. Review status: criteria provided, single submitter. Criteria: ACMG Guidelines, 2015. Collection method: clinical testing. Allele origin: germline.
Comment: This variant is classified as likely benign based on ACMG/AMP sequence variant interpretation guidelines (Richards et al. 2015 PMID: 25741868, with internal and published modifications).

Blueprint Genetics
Classification: Likely benign. Last evaluated: 2024-05-30. Review status: criteria provided, single submitter. Criteria: ACMG Guidelines, 2015. Collection method: clinical testing. Allele origin: germline.

Ambry Genetics
Classification: Likely benign for Inborn genetic diseases. Last evaluated: 2024-03-20. Review status: criteria provided, single submitter. Criteria: Ambry Variant Classification Scheme 2023. Collection method: clinical testing. Allele origin: germline.

Department of Pathology and Laboratory Medicine, Sinai Health System
Classification: Uncertain significance for acute myeloid leukemia. Last evaluated: 2021-07-30. Review status: criteria provided, single submitter. Criteria: ACMG Guidelines, 2015. Collection method: research. Allele origin: germline.

Sema4
Classification: Likely benign for Hereditary cancer-predisposing syndrome. Last evaluated: 2020-12-03. Review status: criteria provided, single submitter. Criteria: Sema4 Curation Guidelines. Collection method: curation. Allele origin: germline.

Genomic Diagnostics Laboratory, National Institute of Medical Genomics
Classification: Likely pathogenic for Acute myeloid leukemia. Review status: flagged submission. Criteria: AMP Guidelines, 2017. Collection method: clinical testing. Allele origin: somatic. Affected: yes. Not counted in ClinVar's aggregate classification.
Comment: The variant was detected in bone marrow from patients, but it was not confirmed in the matched
ClinVar note: Reason: Claim with insufficient supporting evidence